The following is an entry in ClinVar:

ClinVar aggregate classification (germline): Uncertain significance. Review status: criteria provided, single submitter (1 of 4 stars). 2 submissions from 2 submitters: Uncertain significance (1). 1 of the submissions does not count toward it. Last evaluated 2024-02-02.

Conditions:
GREM1-related disorder. Also called: GREM1-related condition.
Hereditary mixed polyposis syndrome. Also called: Hereditary Mixed Polyposis. Identifiers: Orphanet 157794, MedGen C5192681, MONDO:0011023.

gnomAD v4.1: 6 of 1,614,196 alleles (0.00037%); highest among the groups gnomAD compares: South Asian, 0.0011%; no homozygotes.

Submissions (2):

Molecular Pathology, Peter Maccallum Cancer Centre
Classification: Uncertain significance for Hereditary mixed polyposis syndrome. Last evaluated: 2024-02-02. Review status: criteria provided, single submitter. Criteria: ACMG Guidelines, 2015. Collection method: clinical testing. Allele origin: germline. Inheritance: Autosomal dominant inheritance.

PreventionGenetics, part of Exact Sciences
Classification: Uncertain significance for GREM1-related condition. Last evaluated: 2024-04-23. Review status: no assertion criteria provided. Collection method: clinical testing. Allele origin: germline. Not counted in ClinVar's aggregate classification.
Comment: The GREM1 c.337A>G variant is predicted to result in the amino acid substitution p.Ile113Val. To our knowledge, this variant has not been reported in the literature. This variant is reported in 0.00088% of alleles in individuals of European (Non-Finnish) descent in gnomAD. At this time, the clinical significance of this variant is uncertain due to the absence of conclusive functional and genetic evidence.

NM_013372.7(GREM1):c.337A>G (p.Ile113Val)

Gene: GREM1 (gremlin 1, DAN family BMP antagonist; plus strand). Cytogenetic location: 15q13.3.
Variant type: single nucleotide variant.
Coding change: c.337A>G on transcript NM_013372.7 (MANE Select); coding-DNA position 337, A replaced by G.
Protein change: p.Ile113Val; replaces isoleucine 113 with valine.
Molecular consequence: missense variant.
Genome position (GRCh38, 1-based): chr15:32,731,027, A>G. VCF-style: chr15-32731027-A-G. GRCh37 (hg19) VCF-style: chr15-33023228-A-G.
Other names: c.127A>G, p.Ile43Val (NM_001191322.2); c.214A>G, p.Ile72Val (NM_001191323.2); c.337A>G, p.Ile113Val (NM_001368719.1); short protein forms I113V, I43V, I72V.
Identifiers: ClinVar variation 3357297 (VCV003357297.2).